The following is an entry in ClinVar:

NM_031407.7(HUWE1):c.8206+4A>G

Gene: HUWE1 (HECT, UBA and WWE domain containing E3 ubiquitin protein ligase 1; minus strand). Cytogenetic location: Xp11.22.
Variant type: single nucleotide variant.
Coding change: c.8206+4A>G on transcript NM_031407.7 (MANE Select); 4 bases into the intron after coding-DNA position 8206, A replaced by G.
Molecular consequence: intron variant.
Genome position (GRCh38, 1-based): chrX:53,557,378, T>C on the plus strand (A>G on the coding strand, the complement: HUWE1 is on the minus strand). VCF-style: chrX-53557378-T-C. GRCh37 (hg19) VCF-style: chrX-53584339-T-C.
Identifiers: ClinVar variation 3029237 (VCV003029237.2), dbSNP rs2523727902, ClinGen allele CA2693813979.

ClinVar aggregate classification (germline): Likely benign (0 of 4 stars; one submission).

Conditions:
HUWE1-related disorder. Also called: HUWE1-related condition.

Submission:

PreventionGenetics, part of Exact Sciences
Classification: Likely benign for HUWE1-related condition. Last evaluated: 2023-11-10. Review status: no assertion criteria provided. Collection method: clinical testing. Allele origin: germline.
Comment: This variant is classified as likely benign based on ACMG/AMP sequence variant interpretation guidelines (Richards et al. 2015 PMID: 25741868, with internal and published modifications).